The following is an entry in ClinVar:

NM_144997.7(FLCN):c.871+4A>G

Gene: FLCN (folliculin; minus strand). Cytogenetic location: 17p11.2.
Variant type: single nucleotide variant.
Coding change: c.871+4A>G on transcript NM_144997.7 (MANE Select); 4 bases into the intron after coding-DNA position 871, A replaced by G.
Molecular consequence: intron variant. On other transcripts: missense variant (1).
Genome position (GRCh38, 1-based): chr17:17,221,533, T>C on the plus strand (A>G on the coding strand, the complement: FLCN is on the minus strand). VCF-style: chr17-17221533-T-C. GRCh37 (hg19) VCF-style: chr17-17124847-T-C.
Other names: c.875A>G, p.Glu292Gly (NM_144606.7); c.871+4A>G (NM_001353231.2, NM_001353230.2); c.925+4A>G (NM_001353229.2); short protein forms E292G.
Identifiers: ClinVar variation 3229261 (VCV003229261.1), dbSNP rs2144930829, ClinGen allele CA398533598.

ClinVar aggregate classification (germline): Uncertain significance (1 of 4 stars; one submission).

Conditions:
Hereditary cancer-predisposing syndrome. Also called: Neoplastic Syndromes, Hereditary; Tumor predisposition; Hereditary neoplastic syndrome; Hereditary Cancer Syndrome. Identifiers: Orphanet 140162, MedGen C0027672, MeSH D009386, MONDO:0015356.

Submission:

Ambry Genetics
Classification: Uncertain significance for Hereditary cancer-predisposing syndrome. Last evaluated: 2023-11-15. Review status: criteria provided, single submitter. Criteria: Ambry Variant Classification Scheme 2023. Collection method: clinical testing. Allele origin: germline.
Comment: The c.871+4A>G intronic variant results from an A to G substitution 4 nucleotides after coding exon 5 in the FLCN gene. This nucleotide position is well conserved in available vertebrate species. In silico splice site analysis predicts that this alteration will weaken the native splice donor site. Since supporting evidence is limited at this time, the clinical significance of this alteration remains unclear.